The following is an entry in ClinVar:

ClinVar aggregate classification (germline): Uncertain significance (1 of 4 stars; one submission).

Conditions:
KBG syndrome (KBGS). Also called: ANKRD11-Related KBG Syndrome. Identifiers: Orphanet 2332, MedGen C0220687, MONDO:0007846, OMIM 148050.

gnomAD v4.1: 6 of 1,516,770 alleles (0.0004%); highest among the groups gnomAD compares: South Asian, 0.0012%; no homozygotes.

Submission:

Labcorp Genetics (formerly Invitae), Labcorp
Classification: Uncertain significance for KBG syndrome. Last evaluated: 2022-09-15. Review status: criteria provided, single submitter. Criteria: Invitae Variant Classification Sherloc (09022015). Collection method: clinical testing. Allele origin: germline.
Comment: This sequence change replaces alanine, which is neutral and non-polar, with threonine, which is neutral and polar, at codon 2280 of the ANKRD11 protein (p.Ala2280Thr). The frequency data for this variant in the population databases is considered unreliable, as metrics indicate poor data quality at this position in the gnomAD database. This variant has not been reported in the literature in individuals affected with ANKRD11-related conditions. Advanced modeling of protein sequence and biophysical properties (such as structural, functional, and spatial information, amino acid conservation, physicochemical variation, residue mobility, and thermodynamic stability) performed at Invitae indicates that this missense variant is not expected to disrupt ANKRD11 protein function. In summary, the available evidence is currently insufficient to determine the role of this variant in disease. Therefore, it has been classified as a Variant of Uncertain Significance.

NM_013275.6(ANKRD11):c.6838G>A (p.Ala2280Thr)

Gene: ANKRD11 (ankyrin repeat domain 11; minus strand). Cytogenetic location: 16q24.3.
Variant type: single nucleotide variant.
Coding change: c.6838G>A on transcript NM_013275.6 (MANE Select); coding-DNA position 6838, G replaced by A.
Protein change: p.Ala2280Thr; replaces alanine 2280 with threonine.
Molecular consequence: missense variant.
Genome position (GRCh38, 1-based): chr16:89,279,704, C>T on the plus strand (G>A on the coding strand, the complement: ANKRD11 is on the minus strand). VCF-style: chr16-89279704-C-T. GRCh37 (hg19) VCF-style: chr16-89346112-C-T.
Other names: c.6838G>A, p.Ala2280Thr (NM_001256182.2, NM_001256183.2); short protein forms A2280T.
Identifiers: ClinVar variation 2163854 (VCV002163854.4), dbSNP rs1199936730, ClinGen allele CA397149875.
Genomic context (GRCh38, chr16:89,279,704, plus strand): 5'-CGGCACGGGAGGCCTCAGTGTCGTCCTCGGGGCCGGCACCGTCTGCGGCCTGAGCTTGTG[C>T]CACAGTGTTCGGGGCGGGGCCGTCAGGGGCACAGAGGGACGCGGCGGGGGGGCCTTCAGC-3'
Protein context (NP_037407.4, residues 2270-2290): APDGPAPNTV[Ala2280Thr]QAQAADGAGP